The following is an entry in ClinVar:

ClinVar aggregate classification (germline): Uncertain significance. Review status: criteria provided, multiple submitters, no conflicts (2 of 4 stars). 2 submissions from 2 submitters: Uncertain significance (2). Last evaluated 2025-02-16.

Conditions:
Inborn genetic diseases. Identifiers: MedGen C0950123, MeSH D030342.

Allele frequency attached by ClinVar (database versions not stated): TOPMed 0.00001; gnomAD 0.00009; ExAC 0.00018; 1000 Genomes Project 0.00040; 1000 Genomes Project 30x 0.00094.
gnomAD v4.1: 153 of 1,613,956 alleles (0.0095%); highest among the groups gnomAD compares: South Asian, 0.16%; 2 homozygotes.

Submissions (2):

Labcorp Genetics (formerly Invitae), Labcorp
Classification: Uncertain significance. Last evaluated: 2025-02-16. Review status: criteria provided, single submitter. Criteria: Invitae Variant Classification Sherloc (09022015). Collection method: clinical testing. Allele origin: germline.
Comment: This sequence change replaces valine, which is neutral and non-polar, with isoleucine, which is neutral and non-polar, at codon 591 of the FAT1 protein (p.Val591Ile). This variant is present in population databases (rs572691033, gnomAD 0.1%). This variant has not been reported in the literature in individuals affected with FAT1-related conditions. ClinVar contains an entry for this variant (Variation ID: 3093049). Invitae Evidence Modeling of protein sequence and biophysical properties (such as structural, functional, and spatial information, amino acid conservation, physicochemical variation, residue mobility, and thermodynamic stability) indicates that this missense variant is expected to disrupt FAT1 protein function with a positive predictive value of 80%. In summary, the available evidence is currently insufficient to determine the role of this variant in disease. Therefore, it has been classified as a Variant of Uncertain Significance.

Ambry Genetics
Classification: Uncertain significance for Inborn genetic diseases. Last evaluated: 2024-01-31. Review status: criteria provided, single submitter. Criteria: Ambry Variant Classification Scheme 2023. Collection method: clinical testing. Allele origin: germline.

NM_005245.4(FAT1):c.1771G>A (p.Val591Ile)

Gene: FAT1 (FAT atypical cadherin 1; minus strand). Cytogenetic location: 4q35.2.
Variant type: single nucleotide variant.
Coding change: c.1771G>A on transcript NM_005245.4 (MANE Select); coding-DNA position 1771, G replaced by A.
Protein change: p.Val591Ile; replaces valine 591 with isoleucine.
Molecular consequence: missense variant.
Genome position (GRCh38, 1-based): chr4:186,708,057, C>T on the plus strand (G>A on the coding strand, the complement: FAT1 is on the minus strand). VCF-style: chr4-186708057-C-T. GRCh37 (hg19) VCF-style: chr4-187629211-C-T.
Other names: short protein forms V591I.
Identifiers: ClinVar variation 3093049 (VCV003093049.2), dbSNP rs572691033, ClinGen allele CA3167389.